The following is an entry in ClinVar:

ClinVar aggregate classification (germline): Uncertain significance (1 of 4 stars; one submission).

Submission:

CeGaT Center for Human Genetics Tuebingen
Classification: Uncertain significance. Last evaluated: 2026-07-01. Review status: criteria provided, single submitter. Criteria: CeGaT Center For Human Genetics Tuebingen Variant Classification Criteria Version 2. Collection method: clinical testing. Allele origin: germline. Affected: yes. Observed: 1 variant allele.
Comment: MEN1: PM2, PP2

NM_001370259.2(MEN1):c.1700C>G (p.Ala567Gly)

Gene: MEN1 (menin 1; minus strand). Cytogenetic location: 11q13.1.
Variant type: single nucleotide variant.
Coding change: c.1700C>G on transcript NM_001370259.2 (MANE Select); coding-DNA position 1700, C replaced by G.
Protein change: p.Ala567Gly; replaces alanine 567 with glycine.
Molecular consequence: missense variant. On other transcripts: non-coding transcript variant (4).
Genome position (GRCh38, 1-based): chr11:64,804,467, G>C on the plus strand (C>G on the coding strand, the complement: MEN1 is on the minus strand). VCF-style: chr11-64804467-G-C. GRCh37 (hg19) VCF-style: chr11-64571939-G-C.
Other names: c.1826C>G, p.Ala609Gly (NM_001407144.1, NM_001370251.2, NM_001407142.1 and 1 more transcripts); c.1715C>G, p.Ala572Gly (NM_001407145.1, NM_130800.3, NM_130801.3 and 4 more transcripts); c.1700C>G, p.Ala567Gly (NM_001407146.1, NM_001407147.1, NM_130799.3 and 2 more transcripts); c.1595C>G, p.Ala532Gly (NM_001407148.1, NM_001407149.1, NM_001370262.2 and 1 more transcripts); c.1841C>G, p.Ala614Gly (NM_001407150.1); c.1721C>G, p.Ala574Gly (NM_001407151.1); c.1535C>G, p.Ala512Gly (NM_001407152.1); short protein forms A512G, A532G, A567G, A572G, A574G, A609G, A614G.
Identifiers: ClinVar variation 5040255 (VCV005040255.1).